The following is an entry in ClinVar:

NM_031308.4(EPPK1):c.6493C>G (p.Gln2165Glu)

Gene: EPPK1 (epiplakin 1; minus strand). Cytogenetic location: 8q24.3.
Variant type: single nucleotide variant.
Coding change: c.6493C>G on transcript NM_031308.4 (MANE Select); coding-DNA position 6493, C replaced by G.
Protein change: p.Gln2165Glu; replaces glutamine 2165 with glutamic acid.
Molecular consequence: missense variant.
Genome position (GRCh38, 1-based): chr8:143,866,761, G>C on the plus strand (C>G on the coding strand, the complement: EPPK1 is on the minus strand). VCF-style: chr8-143866761-G-C. GRCh37 (hg19) VCF-style: chr8-144940929-G-C.
Other names: short protein forms Q2165E.
Identifiers: ClinVar variation 3035696 (VCV003035696.2), dbSNP rs112679832, ClinGen allele CA4921724.

ClinVar aggregate classification (germline): Likely benign (0 of 4 stars; one submission).

Conditions:
EPPK1-related disorder. Also called: EPPK1-related condition.

Allele frequency attached by ClinVar (database versions not stated): gnomAD exomes 0.00040; ExAC 0.00116; gnomAD 0.00296; 1000 Genomes Project 30x 0.00297; ESP Exome Variant Server 0.00319; TOPMed 0.00341; 1000 Genomes Project 0.00359.

Submission:

PreventionGenetics, part of Exact Sciences
Classification: Likely benign for EPPK1-related condition. Last evaluated: 2021-04-18. Review status: no assertion criteria provided. Collection method: clinical testing. Allele origin: germline.
Comment: This variant is classified as likely benign based on ACMG/AMP sequence variant interpretation guidelines (Richards et al. 2015 PMID: 25741868, with internal and published modifications).